The following is an entry in ClinVar:

ClinVar aggregate classification (germline): Uncertain significance (1 of 4 stars; one submission).

Conditions:
FAN1-related disorder. Also called: FAN1-related condition.

gnomAD v4.1: 12 of 1,612,366 alleles (0.00074%); highest among the groups gnomAD compares: Non-Finnish European, 0.001%; no homozygotes.

Submission:

PreventionGenetics, part of Exact Sciences
Classification: Uncertain significance for FAN1-related condition. Last evaluated: 2022-08-31. Review status: criteria provided, single submitter. Criteria: ACMG Guidelines, 2015. Collection method: clinical testing. Allele origin: germline.
Comment: The FAN1 c.2906G>T variant is predicted to result in the amino acid substitution p.Arg969Leu. To our knowledge, this variant has not been reported in the literature or in a large population database, indicating this variant is rare. At this time, the clinical significance of this variant is uncertain due to the absence of conclusive functional and genetic evidence.

NM_014967.5(FAN1):c.2906G>T (p.Arg969Leu)

Genes: FAN1 (FANCD2 and FANCI associated nuclease 1; plus strand), MTMR10 (myotubularin related protein 10; minus strand). Cytogenetic location: 15q13.3.
Variant type: single nucleotide variant.
Coding change: c.2906G>T on transcript NM_014967.5 (MANE Select); coding-DNA position 2906, G replaced by T.
Protein change: p.Arg969Leu; replaces arginine 969 with leucine.
Molecular consequence: missense variant.
Genome position (GRCh38, 1-based): chr15:30,930,661, G>T. VCF-style: chr15-30930661-G-T. GRCh37 (hg19) VCF-style: chr15-31222864-G-T.
Other names: short protein forms R969L.
Identifiers: ClinVar variation 2635664 (VCV002635664.1), dbSNP rs753068609, ClinGen allele CA267477722.